The following is an entry in ClinVar:

NM_001369.3(DNAH5):c.11215T>C (p.Leu3739=)

Genes: DNAH5 (dynein axonemal heavy chain 5; minus strand), LOC107457585 (meiotic recombination hotspot J; plus strand). Cytogenetic location: 5p15.2.
Variant type: single nucleotide variant.
Coding change: c.11215T>C on transcript NM_001369.3 (MANE Select); coding-DNA position 11215, T replaced by C.
Protein change: p.Leu3739=; no amino-acid change (leucine 3739 retained).
Molecular consequence: synonymous variant.
Genome position (GRCh38, 1-based): chr5:13,737,492, A>G on the plus strand (T>C on the coding strand, the complement: DNAH5 is on the minus strand). VCF-style: chr5-13737492-A-G. GRCh37 (hg19) VCF-style: chr5-13737601-A-G.
Other names: c.11215T>C (NM_001369.2).
Identifiers: ClinVar variation 1082127 (VCV001082127.12), dbSNP rs768012285, ClinGen allele CA3202021.
Genomic context (GRCh38, chr5:13,737,492, plus strand): 5'-CCTTCATCCTTCTTTTGTTTGCAGTTACATCTTCCATCAGATGAGTTCTTTCTTTCTCCA[A>G]TTCCTATTAATTTGCATAAATATATTTTCTACCTCAATTAACAACTCTTGTTGAGTATTC-3'
Protein context (NP_001360.1, residues 3729-3749): GRVILTEKQE[Leu3739=]EKERTHLMED

ClinVar aggregate classification (germline): Likely benign. Review status: criteria provided, multiple submitters, no conflicts (2 of 4 stars). 3 submissions from 3 submitters: Likely benign (2). 1 of the submissions does not count toward it. Last evaluated 2026-01-26.

Conditions:
DNAH5-related disorder. Also called: DNAH5-related condition.
Primary ciliary dyskinesia. Also called: Ciliary dyskinesia. Identifiers: Orphanet 244, MedGen C0008780, MONDO:0016575, HP:0012265.

Allele frequency attached by ClinVar (database versions not stated): gnomAD exomes 0.00001 and 0.00004; ExAC 0.00003; gnomAD 0.00013 and 0.00016; TOPMed 0.00015.
gnomAD v4.1: 31 of 1,613,396 alleles (0.0019%); highest among the groups gnomAD compares: African/African-American, 0.035%; no homozygotes.

Submissions (3):

Labcorp Genetics (formerly Invitae), Labcorp
Classification: Likely benign for Primary ciliary dyskinesia. Last evaluated: 2026-01-26. Review status: criteria provided, single submitter. Criteria: Invitae Variant Classification Sherloc (09022015). Collection method: clinical testing. Allele origin: germline.

Ambry Genetics
Classification: Likely benign for Primary ciliary dyskinesia. Last evaluated: 2023-12-11. Review status: criteria provided, single submitter. Criteria: Ambry Variant Classification Scheme 2023. Collection method: clinical testing. Allele origin: germline.

PreventionGenetics, part of Exact Sciences
Classification: Likely benign for DNAH5-related condition. Last evaluated: 2023-10-05. Review status: no assertion criteria provided. Collection method: clinical testing. Allele origin: germline. Not counted in ClinVar's aggregate classification.
Comment: This variant is classified as likely benign based on ACMG/AMP sequence variant interpretation guidelines (Richards et al. 2015 PMID: 25741868, with internal and published modifications).